The following is an entry in ClinVar:

NM_001145809.2(MYH14):c.1430A>G (p.Gln477Arg)

Gene: MYH14 (myosin heavy chain 14; plus strand). Cytogenetic location: 19q13.33.
Variant type: single nucleotide variant.
Coding change: c.1430A>G on transcript NM_001145809.2 (MANE Select); coding-DNA position 1430, A replaced by G.
Protein change: p.Gln477Arg; replaces glutamine 477 with arginine.
Molecular consequence: missense variant.
Genome position (GRCh38, 1-based): chr19:50,249,087, A>G. VCF-style: chr19-50249087-A-G. GRCh37 (hg19) VCF-style: chr19-50752344-A-G.
Other names: c.1430A>G, p.Gln477Arg (NM_001077186.2); c.1406A>G, p.Gln469Arg (NM_024729.4); short protein forms Q469R, Q477R.
Identifiers: ClinVar variation 3775549 (VCV003775549.1).
Genomic context (GRCh38, chr19:50,249,087, plus strand): 5'-AGCGCCTCTTCCGCTGGCTGGTTCTGCGCCTCAACCGGGCCTTGGACCGCAGCCCCCGCC[A>G]AGGCGCCTCCTTCCTGGGCATCCTGGACATCGCGGGCTTTGAGATCTTCCAGGTCCACCC-3'
Protein context (NP_001139281.1, residues 467-487): LNRALDRSPR[Gln477Arg]GASFLGILDI

ClinVar aggregate classification (germline): Uncertain significance (1 of 4 stars; one submission).

Conditions:
Autosomal dominant nonsyndromic hearing loss 4A. Also called: Deafness, autosomal dominant 4A. Identifiers: Orphanet 90635, MedGen C1833503, MONDO:0010915, OMIM 600652.

gnomAD v4.1: 1 of 1,604,440 alleles (0.000062%); highest among the groups gnomAD compares: East Asian, 0.0022%; no homozygotes.

Submission:

3billion
Classification: Uncertain significance for Autosomal dominant nonsyndromic hearing loss 4A. Last evaluated: 2024-04-19. Review status: criteria provided, single submitter. Criteria: ACMG Guidelines, 2015. Collection method: clinical testing. Allele origin: germline. Affected: yes.
Comment: The variant is observed at an extremely low frequency in the gnomAD v4.0.0 dataset (total allele frequency: <0.001%). Predicted Consequence/Location: Missense variant In silico tool predictions suggest damaging effect of the variant on gene or gene product [REVEL: 0.70 (>=0.6, sensitivity 0.68 and specificity 0.92)]. Therefore, this variant is classified as VUS according to the recommendation of ACMG/AMP guideline.